The following is an entry in ClinVar:

NM_000234.3(LIG1):c.1880G>A (p.Arg627Gln)

Gene: LIG1 (DNA ligase 1; minus strand). Cytogenetic location: 19q13.33.
Variant type: single nucleotide variant.
Coding change: c.1880G>A on transcript NM_000234.3 (MANE Select); coding-DNA position 1880, G replaced by A.
Protein change: p.Arg627Gln; replaces arginine 627 with glutamine.
Molecular consequence: missense variant. On other transcripts: non-coding transcript variant (6).
Genome position (GRCh38, 1-based): chr19:48,127,962, C>T on the plus strand (G>A on the coding strand, the complement: LIG1 is on the minus strand). VCF-style: chr19-48127962-C-T. GRCh37 (hg19) VCF-style: chr19-48631219-C-T.
Other names: c.1787G>A, p.Arg596Gln (NM_001289063.2); c.1676G>A, p.Arg559Gln (NM_001289064.2); c.1877G>A, p.Arg626Gln (NM_001320970.2); c.1790G>A, p.Arg597Gln (NM_001320971.2); short protein forms R626Q, R596Q, R559Q, R597Q, R627Q.
Identifiers: ClinVar variation 3715742 (VCV003715742.1).
Genomic context (GRCh38, chr19:48,127,962, plus strand): 5'-GATGCTACCTTGCGTTTGCGGGTGGTGAGCACTTGGAATGGCTGGATCTGCTTCTTTTCC[C>T]GGTCCCAAGCCACGGCTTCGGTGTCCAGGATGAAGGATGTGACCGATGGGAGTTTAATCT-3'
Protein context (NP_000225.1, residues 617-637): ILDTEAVAWD[Arg627Gln]EKKQIQPFQV

ClinVar aggregate classification (germline): Uncertain significance (1 of 4 stars; one submission).

gnomAD v4.1: 20 of 1,614,136 alleles (0.0012%); highest among the groups gnomAD compares: East Asian, 0.018%; no homozygotes.

Submission:

Labcorp Genetics (formerly Invitae), Labcorp
Classification: Uncertain significance. Last evaluated: 2025-01-10. Review status: criteria provided, single submitter. Criteria: Invitae Variant Classification Sherloc (09022015). Collection method: clinical testing. Allele origin: germline.
Comment: This sequence change replaces arginine, which is basic and polar, with glutamine, which is neutral and polar, at codon 627 of the LIG1 protein (p.Arg627Gln). This variant is present in population databases (rs546799751, gnomAD 0.01%). This variant has not been reported in the literature in individuals affected with LIG1-related conditions. An algorithm developed to predict the effect of missense changes on protein structure and function outputs the following: PolyPhen-2: "Benign". The glutamine amino acid residue is found in multiple mammalian species, which suggests that this missense change does not adversely affect protein function. In summary, the available evidence is currently insufficient to determine the role of this variant in disease. Therefore, it has been classified as a Variant of Uncertain Significance.